The following is an entry in ClinVar:

ClinVar aggregate classification (germline): Uncertain significance (1 of 4 stars; one submission).

Conditions:
Hereditary cancer-predisposing syndrome. Also called: Hereditary Cancer Syndrome; Hereditary neoplastic syndrome; Neoplastic Syndromes, Hereditary; Tumor predisposition. Identifiers: Orphanet 140162, MedGen C0027672, MeSH D009386, MONDO:0015356.

Submission:

Ambry Genetics
Classification: Uncertain significance for Hereditary cancer-predisposing syndrome. Last evaluated: 2025-04-12. Review status: criteria provided, single submitter. Criteria: Ambry Variant Classification Scheme 2023. Collection method: clinical testing. Allele origin: germline.
Comment: The p.I455S variant (also known as c.1364T>G), located in coding exon 10 of the NBN gene, results from a T to G substitution at nucleotide position 1364. The isoleucine at codon 455 is replaced by serine, an amino acid with dissimilar properties. This amino acid position is conserved. In addition, the in silico prediction for this alteration is inconclusive. Based on the available evidence, the clinical significance of this variant remains unclear.

NM_002485.5(NBN):c.1364T>G (p.Ile455Ser)

Gene: NBN (nibrin; minus strand). Cytogenetic location: 8q21.3.
Variant type: single nucleotide variant.
Coding change: c.1364T>G on transcript NM_002485.5 (MANE Select); coding-DNA position 1364, T replaced by G.
Protein change: p.Ile455Ser; replaces isoleucine 455 with serine.
Molecular consequence: missense variant.
Genome position (GRCh38, 1-based): chr8:89,955,316, A>C on the plus strand (T>G on the coding strand, the complement: NBN is on the minus strand). VCF-style: chr8-89955316-A-C. GRCh37 (hg19) VCF-style: chr8-90967544-A-C.
Other names: c.1118T>G, p.Ile373Ser (NM_001024688.3); short protein forms I455S, I373S.
Identifiers: ClinVar variation 3917592 (VCV003917592.1).